The following is an entry in ClinVar:

NM_003070.5(SMARCA2):c.1664AGA[3] (p.Lys558del)

Gene: SMARCA2 (SWI/SNF related BAF chromatin remodeling complex subunit ATPase 2; plus strand). Cytogenetic location: 9p24.3.
Variant type: Microsatellite.
Coding change: c.1664AGA[3] on transcript NM_003070.5 (MANE Select); three copies in a row of the 3-base unit AGA starting at c.1664; the reference has four copies in a row; one copy, 3 bases deleted.
Protein change: p.Lys558del; deletes lysine 558.
Molecular consequence: inframe deletion. On other transcripts: frameshift variant (1).
Genome position (GRCh38, 1-based): chr9:2,060,967-2,060,969, AGA deleted; deleting any 3 consecutive bases within chr9:2,060,958-2,060,969 gives the same sequence; the position shown is the placement nearest the transcript's 3' end. VCF-style (leftmost placement, unchanged base first): chr9-2060957-GAGA-G. GRCh37 (hg19) VCF-style: chr9-2060957-GAGA-G.
Other names: c.1662_1664AGA[3], p.Lys556Glufs (NM_001289396.2); c.1664AGA[3], p.Lys558del (NM_001289397.2, NM_139045.4); short protein forms K558del.
Identifiers: ClinVar variation 1198505 (VCV001198505.4), dbSNP rs766734761, ClinGen allele CA4963209.

ClinVar aggregate classification (germline): Conflicting classifications of pathogenicity. Review status: criteria provided, conflicting classifications (1 of 4 stars). 2 submissions from 2 submitters: Uncertain significance (1); Likely benign (1). Last evaluated 2024-06-17.

Submissions (2):

Labcorp Genetics (formerly Invitae), Labcorp
Classification: Uncertain significance. Last evaluated: 2024-06-17. Review status: criteria provided, single submitter. Criteria: Invitae Variant Classification Sherloc (09022015). Collection method: clinical testing. Allele origin: germline.
Comment: This variant, c.1673_1675del, results in the deletion of 1 amino acid(s) of the SMARCA2 protein (p.Lys558del), but otherwise preserves the integrity of the reading frame. This variant is present in population databases (rs766734761, gnomAD 0.01%). This variant has not been reported in the literature in individuals affected with SMARCA2-related conditions. Experimental studies and prediction algorithms are not available or were not evaluated, and the functional significance of this variant is currently unknown. In summary, the available evidence is currently insufficient to determine the role of this variant in disease. Therefore, it has been classified as a Variant of Uncertain Significance.

GeneDx
Classification: Likely benign. Last evaluated: 2020-03-25. Review status: criteria provided, single submitter. Criteria: GeneDx Variant Classification Process June 2021. Collection method: clinical testing. Allele origin: germline. Affected: yes.